The following is an entry in ClinVar:

NM_024009.3(GJB3):c.187G>A (p.Val63Ile)

Gene: GJB3 (gap junction protein beta 3; plus strand). Cytogenetic location: 1p34.3.
Variant type: single nucleotide variant.
Coding change: c.187G>A on transcript NM_024009.3 (MANE Select); coding-DNA position 187, G replaced by A.
Protein change: p.Val63Ile; replaces valine 63 with isoleucine.
Molecular consequence: missense variant.
Genome position (GRCh38, 1-based): chr1:34,784,949, G>A. VCF-style: chr1-34784949-G-A. GRCh37 (hg19) VCF-style: chr1-35250550-G-A.
Other names: p.V63I; c.187G>A, p.Val63Ile (NM_001005752.2); short protein forms V63I.
Identifiers: ClinVar variation 740958 (VCV000740958.13), dbSNP rs61732295, ClinGen allele CA754772.

ClinVar aggregate classification (germline): Conflicting classifications of pathogenicity. Review status: criteria provided, conflicting classifications (1 of 4 stars). 4 submissions from 4 submitters: Uncertain significance (1); Benign (1); Likely benign (1). 1 of the submissions does not count toward it. Last evaluated 2025-09-29.

Conditions:
GJB3-related disorder. Also called: GJB3-related condition.

Allele frequency attached by ClinVar (database versions not stated): 1000 Genomes Project 30x 0.00125; TOPMed 0.00126; ESP Exome Variant Server 0.00154; gnomAD exomes 0.00010 and 0.00029; ExAC 0.00040; gnomAD 0.00112 and 0.00118; 1000 Genomes Project 0.00120.
gnomAD v4.1: 329 of 1,614,156 alleles (0.02%); highest among the groups gnomAD compares: African/African-American, 0.39%; 1 homozygote.

Submissions (4):

Labcorp Genetics (formerly Invitae), Labcorp
Classification: Benign. Last evaluated: 2025-09-29. Review status: criteria provided, single submitter. Criteria: Invitae Variant Classification Sherloc (09022015). Collection method: clinical testing. Allele origin: germline.

GeneDx
Classification: Likely benign. Last evaluated: 2020-09-30. Review status: criteria provided, single submitter. Criteria: GeneDx Variant Classification Process June 2021. Collection method: clinical testing. Allele origin: germline. Affected: yes.
Comment: Has not been previously published as pathogenic or benign to our knowledge; This variant is associated with the following publications: (PMID: 10767631)

Mayo Clinic Laboratories, Mayo Clinic
Classification: Uncertain significance. Last evaluated: 2018-01-29. Review status: criteria provided, single submitter. Criteria: ACMG Guidelines, 2015. Collection method: clinical testing. Allele origin: germline.

PreventionGenetics, part of Exact Sciences
Classification: Likely benign for GJB3-related condition. Last evaluated: 2023-07-27. Review status: no assertion criteria provided. Collection method: clinical testing. Allele origin: germline. Not counted in ClinVar's aggregate classification.
Comment: This variant is classified as likely benign based on ACMG/AMP sequence variant interpretation guidelines (Richards et al. 2015 PMID: 25741868, with internal and published modifications).